The following is an entry in ClinVar:

ClinVar aggregate classification (germline): Benign/Likely benign. Review status: criteria provided, multiple submitters, no conflicts (2 of 4 stars). 3 submissions from 3 submitters: Benign (1); Likely benign (2). Last evaluated 2026-01-28.

Conditions:
Joubert syndrome 14 (JBTS14). Identifiers: MedGen C3280766, MONDO:0013745, OMIM 614424.

Allele frequency attached by ClinVar (database versions not stated): gnomAD 0.00004 and 0.00013; TOPMed 0.00010; gnomAD exomes 0.00042 and 0.00088; 1000 Genomes Project 30x 0.00094; 1000 Genomes Project 0.00120; ExAC 0.00160.
gnomAD v4.1: 616 of 1,563,320 alleles (0.039%); highest among the groups gnomAD compares: South Asian, 0.58%; 8 homozygotes.

Submissions (3):

Labcorp Genetics (formerly Invitae), Labcorp
Classification: Benign for Joubert syndrome 14. Last evaluated: 2026-01-28. Review status: criteria provided, single submitter. Criteria: Invitae Variant Classification Sherloc (09022015). Collection method: clinical testing. Allele origin: germline.

Blueprint Genetics
Classification: Likely benign. Last evaluated: 2024-11-22. Review status: criteria provided, single submitter. Criteria: ACMG Guidelines, 2015. Collection method: clinical testing. Allele origin: germline.

GeneDx
Classification: Likely benign. Last evaluated: 2017-09-07. Review status: criteria provided, single submitter. Criteria: GeneDx Variant Classification (06012015). Collection method: clinical testing. Allele origin: germline. Affected: yes.
Comment: This variant is considered likely benign or benign based on one or more of the following criteria: it is a conservative change, it occurs at a poorly conserved position in the protein, it is predicted to be benign by multiple in silico algorithms, and/or has population frequency not consistent with disease.

NM_001044385.3(TMEM237):c.274+11A>G

Gene: TMEM237 (transmembrane protein 237; minus strand). Cytogenetic location: 2q33.1.
Variant type: single nucleotide variant.
Coding change: c.274+11A>G on transcript NM_001044385.3 (MANE Select); 11 bases into the intron after coding-DNA position 274, A replaced by G.
Molecular consequence: intron variant.
Genome position (GRCh38, 1-based): chr2:201,636,737, T>C on the plus strand (A>G on the coding strand, the complement: TMEM237 is on the minus strand). VCF-style: chr2-201636737-T-C. GRCh37 (hg19) VCF-style: chr2-202501460-T-C.
Other names: c.250+11A>G (NM_152388.4).
Identifiers: ClinVar variation 511906 (VCV000511906.10), dbSNP rs200487330, ClinGen allele CA2056539.
Genomic context (GRCh38, chr2:201,636,737, plus strand): 5'-GCAGAGAGGTTTTTATCATGTCATCAAAATCACAAGTGCTATCACAACTTAACCTTGGTT[T>C]CTTCACATACCAAGAGGTAGCCTTGTCTTTTTCTGTCTTCTTTGAACAGGAGCCTCTGGG-3'